The following is an entry in ClinVar:

ClinVar aggregate classification (germline): Uncertain significance. Review status: criteria provided, multiple submitters, no conflicts (2 of 4 stars). 2 submissions from 2 submitters: Uncertain significance (2). Last evaluated 2023-05-06.

Conditions:
Cardiovascular phenotype. Identifiers: MedGen CN230736.

Allele frequency attached by ClinVar (database versions not stated): gnomAD exomes 0.00001; TOPMed 0.00001.
gnomAD v4.1: 8 of 1,550,226 alleles (0.00052%); highest among the groups gnomAD compares: East Asian, 0.0073%; no homozygotes.

Submissions (2):

Ambry Genetics
Classification: Uncertain significance for Cardiovascular phenotype. Last evaluated: 2023-05-06. Review status: criteria provided, single submitter. Criteria: Ambry Variant Classification Scheme 2023. Collection method: clinical testing. Allele origin: germline.
Comment: The p.R3597G variant (also known as c.10789A>G), located in coding exon 2 of the ZNF469 gene, results from an A to G substitution at nucleotide position 10789. The arginine at codon 3597 is replaced by glycine, an amino acid with dissimilar properties. This amino acid position is conserved. In addition, this alteration is predicted to be tolerated by in silico analysis. Since supporting evidence is limited at this time, the clinical significance of this alteration remains unclear.

GeneDx
Classification: Uncertain significance. Last evaluated: 2019-07-10. Review status: criteria provided, single submitter. Criteria: GeneDx Variant Classification Process June 2021. Collection method: clinical testing. Allele origin: germline. Affected: yes.
Comment: Has not been previously published as pathogenic or benign to our knowledge; Not observed in large population cohorts (Lek et al., 2016); In silico analysis, which includes protein predictors and evolutionary conservation, supports that this variant does not alter protein structure/function

NM_001367624.2(ZNF469):c.10873A>G (p.Arg3625Gly)

Gene: ZNF469 (zinc finger protein 469; plus strand). Cytogenetic location: 16q24.2.
Variant type: single nucleotide variant.
Coding change: c.10873A>G on transcript NM_001367624.2 (MANE Select); coding-DNA position 10873, A replaced by G.
Protein change: p.Arg3625Gly; replaces arginine 3625 with glycine.
Molecular consequence: missense variant.
Genome position (GRCh38, 1-based): chr16:88,438,343, A>G. VCF-style: chr16-88438343-A-G. GRCh37 (hg19) VCF-style: chr16-88504751-A-G.
Other names: NM_001127464.1:c.10789A>G; short protein forms R3625G.
Identifiers: ClinVar variation 1304764 (VCV001304764.4), dbSNP rs563548368, ClinGen allele CA286387370.
Genomic context (GRCh38, chr16:88,438,343, plus strand): 5'-GGAGCCAGAGGCCAAGATGCGGAGGGAAAGAGGGCTCCTCTCGTGTTCTCAGGGAAACGC[A>G]GGGCCCCGGGTGCCCGTGGCAGGTGTGCCCCTGACCATTTCCAGGAAGACCACCTACTTC-3'
Protein context (NP_001354553.1, residues 3615-3635): RAPLVFSGKR[Arg3625Gly]APGARGRCAP